The following is an entry in ClinVar:

NM_000222.3(KIT):c.292A>T (p.Thr98Ser)

Gene: KIT (KIT proto-oncogene, receptor tyrosine kinase; plus strand). Cytogenetic location: 4q12.
Variant type: single nucleotide variant.
Coding change: c.292A>T on transcript NM_000222.3 (MANE Select); coding-DNA position 292, A replaced by T.
Protein change: p.Thr98Ser; replaces threonine 98 with serine.
Molecular consequence: missense variant.
Genome position (GRCh38, 1-based): chr4:54,695,736, A>T. VCF-style: chr4-54695736-A-T. GRCh37 (hg19) VCF-style: chr4-55561902-A-T.
Other names: c.292A>T, p.Thr98Ser (NM_001093772.2, NM_001385284.1, NM_001385285.1 and 4 more transcripts); short protein forms T98S.
Identifiers: ClinVar variation 409782 (VCV000409782.10), dbSNP rs1060502567, ClinGen allele CA16611518.
Genomic context (GRCh38, chr4:54,695,736, plus strand): 5'-AAGCAGAATGAATGGATCACGGAAAAGGCAGAAGCCACCAACACCGGCAAATACACGTGC[A>T]CCAACAAACACGGCTTAAGCAATTCCATTTATGTGTTTGTTAGAGGTAAATGCTTGGCTT-3'
Protein context (NP_000213.1, residues 88-108): EATNTGKYTC[Thr98Ser]NKHGLSNSIY

ClinVar aggregate classification (germline): Uncertain significance. Review status: criteria provided, multiple submitters, no conflicts (2 of 4 stars). 2 submissions from 2 submitters: Uncertain significance (2). Last evaluated 2025-09-05.

Conditions:
Hereditary cancer-predisposing syndrome. Also called: Neoplastic Syndromes, Hereditary; Hereditary Cancer Syndrome; Hereditary neoplastic syndrome; Tumor predisposition. Identifiers: Orphanet 140162, MedGen C0027672, MeSH D009386, MONDO:0015356.
Gastrointestinal stromal tumor. Also called: Gastrointestinal stroma tumor; Gastrointestinal stromal tumor, somatic. Identifiers: Orphanet 44890, MedGen C0238198, MeSH D046152, MONDO:0011719, OMIM 606764, HP:0100723.

Allele frequency attached by ClinVar (database versions not stated): TOPMed below 0.00001; gnomAD exomes 0.00001.
gnomAD v4.1: 3 of 1,614,258 alleles (0.00019%); highest among the groups gnomAD compares: Admixed American, 0.005%; no homozygotes.

Submissions (2):

Labcorp Genetics (formerly Invitae), Labcorp
Classification: Uncertain significance for Gastrointestinal stromal tumor. Last evaluated: 2025-09-05. Review status: criteria provided, single submitter. Criteria: Invitae Variant Classification Sherloc (09022015). Collection method: clinical testing. Allele origin: germline.
Comment: This sequence change replaces threonine, which is neutral and polar, with serine, which is neutral and polar, at codon 98 of the KIT protein (p.Thr98Ser). This variant is present in population databases (no rsID available, gnomAD 0.006%). This variant has not been reported in the literature in individuals affected with KIT-related conditions. ClinVar contains an entry for this variant (Variation ID: 409782). An algorithm developed to predict the effect of missense changes on protein structure and function outputs the following: PolyPhen-2: "Benign". The serine amino acid residue is found in multiple mammalian species, which suggests that this missense change does not adversely affect protein function. In summary, the available evidence is currently insufficient to determine the role of this variant in disease. Therefore, it has been classified as a Variant of Uncertain Significance.

Ambry Genetics
Classification: Uncertain significance for Hereditary cancer-predisposing syndrome. Last evaluated: 2025-01-26. Review status: criteria provided, single submitter. Criteria: Ambry Variant Classification Scheme 2023. Collection method: clinical testing. Allele origin: germline.
Comment: The p.T98S variant (also known as c.292A>T), located in coding exon 2 of the KIT gene, results from an A to T substitution at nucleotide position 292. The threonine at codon 98 is replaced by serine, an amino acid with similar properties. This amino acid position is conserved. In addition, this alteration is predicted to be tolerated by in silico analysis. Based on the available evidence, the clinical significance of this variant remains unclear.